The following is an entry in ClinVar:

ClinVar aggregate classification (germline): Uncertain significance (1 of 4 stars; one submission).

Conditions:
Occult macular dystrophy (OCMD). Also called: OCCULT MACULAR DYSTROPHY, SUSCEPTIBILITY TO; OMD. Identifiers: Orphanet 247834, MedGen C3150833, MONDO:0013316, OMIM 613587, HP:0030636.

Submission:

MGZ Medical Genetics Center
Classification: Uncertain significance for Occult macular dystrophy. Last evaluated: 2022-03-21. Review status: criteria provided, single submitter. Criteria: ACMG Guidelines, 2015. Collection method: clinical testing. Allele origin: germline. Affected: yes. Observed: 1 variant allele.
Comment: ACMG criteria applied: PM2_SUP

NM_178857.6(RP1L1):c.4198C>G (p.Pro1400Ala)

Gene: RP1L1 (RP1 like 1). Cytogenetic location: 8p23.1.
Variant type: single nucleotide variant.
Coding change: c.4198C>G on transcript NM_178857.6 (MANE Select); coding-DNA position 4198, C replaced by G.
Protein change: p.Pro1400Ala; replaces proline 1400 with alanine.
Molecular consequence: missense variant.
Genome position (GRCh38, 1-based): chr8:10,609,900, G>C on the plus strand (C>G on the coding strand, the complement: RP1L1 is on the minus strand). VCF-style: chr8-10609900-G-C. GRCh37 (hg19) VCF-style: chr8-10467410-G-C.
Other names: short protein forms P1400A.
Identifiers: ClinVar variation 1709296 (VCV001709296.2), dbSNP rs201750918, ClinGen allele CA370286644.
Genomic context (GRCh38, chr8:10,609,900, plus strand): 5'-CTTTCCCATCCGGAGAGCTGGCCTCTGACAATTCCTGCCCGTGGACGCTTCCTTCTTCTG[G>C]AAGTCCTTCCTCTTTGAGACCCTCTTCAAGAGCCTCTCCTTGCAGTCCTCCTTCTGGCCC-3'
Protein context (NP_849188.4, residues 1390-1410): LEEGLKEEGL[Pro1400Ala]EEGSVHGQEL